The following is an entry in ClinVar:

ClinVar aggregate classification (germline): Uncertain significance (1 of 4 stars; one submission).

Conditions:
Inborn genetic diseases. Identifiers: MedGen C0950123, MeSH D030342.

gnomAD v4.1: 1 of 1,614,112 alleles (0.000062%); highest among the groups gnomAD compares: Non-Finnish European, 0.000085%; no homozygotes.

Submission:

Ambry Genetics
Classification: Uncertain significance for Inborn genetic diseases. Last evaluated: 2025-07-21. Review status: criteria provided, single submitter. Criteria: Ambry Variant Classification Scheme 2023. Collection method: clinical testing. Allele origin: germline.
Comment: The p.P240R variant (also known as c.719C>G), located in coding exon 2 of the WT1 gene, results from a C to G substitution at nucleotide position 719. The proline at codon 240 is replaced by arginine, an amino acid with dissimilar properties. This amino acid position is conserved. In addition, the in silico prediction for this alteration is inconclusive. Based on the available evidence, the clinical significance of this variant remains unclear.

NM_024426.6(WT1):c.734C>G (p.Pro245Arg)

Gene: WT1 (WT1 transcription factor; minus strand). Cytogenetic location: 11p13.
Variant type: single nucleotide variant.
Coding change: c.734C>G on transcript NM_024426.6 (MANE Select); coding-DNA position 734, C replaced by G.
Protein change: p.Pro245Arg; replaces proline 245 with arginine.
Molecular consequence: missense variant. On other transcripts: non-coding transcript variant (2), intron variant (2), 5 prime UTR variant (1).
Genome position (GRCh38, 1-based): chr11:32,428,547, G>C on the plus strand (C>G on the coding strand, the complement: WT1 is on the minus strand). VCF-style: chr11-32428547-G-C. GRCh37 (hg19) VCF-style: chr11-32450093-G-C.
Other names: c.515C>G, p.Pro172Arg (NM_001429034.1, NM_001429031.1, NM_001429032.1 and 1 more transcripts); c.734C>G, p.Pro245Arg (NM_024424.5, NM_000378.6, NM_001407044.1 and 4 more transcripts); c.662-489C>G (NM_001407050.1, NM_001407047.1); c.83C>G, p.Pro28Arg (NM_001198551.2, NM_001198552.2); c.-29C>G (NM_001407051.1); short protein forms P28R, P240R, P245R, P172R.
Identifiers: ClinVar variation 4202226 (VCV004202226.1).